The following is an entry in ClinVar:

NM_000516.7(GNAS):c.313-2A>C

Gene: GNAS (GNAS complex locus; plus strand). Cytogenetic location: 20q13.32.
Variant type: single nucleotide variant.
Coding change: c.313-2A>C on transcript NM_000516.7 (MANE Select); the canonical splice acceptor site of the intron before coding-DNA position 313, A replaced by C.
Molecular consequence: splice acceptor variant.
Genome position (GRCh38, 1-based): chr20:58,903,670, A>C. VCF-style: chr20-58903670-A-C. GRCh37 (hg19) VCF-style: chr20-57478725-A-C.
Other names: c.*219-2A>C (NM_016592.5); c.217-2A>C (NM_001410912.1); c.136-2A>C (NM_001309861.2, NM_001309840.2); c.*174-2A>C (NM_001077490.3); c.2242-2A>C (NM_080425.4); c.2197-2A>C (NM_001410913.1); c.316-2A>C (NM_001077488.5); c.271-2A>C (NM_080426.4); and 1 more.
Identifiers: ClinVar variation 2825780 (VCV002825780.3), dbSNP rs2146182069, ClinGen allele CA409450345.

ClinVar aggregate classification (germline): Likely pathogenic (1 of 4 stars; one submission).

Submission:

Labcorp Genetics (formerly Invitae), Labcorp
Classification: Likely pathogenic. Last evaluated: 2023-01-01. Review status: criteria provided, single submitter. Criteria: Invitae Variant Classification Sherloc (09022015). Collection method: clinical testing. Allele origin: germline.
Comment: In summary, the currently available evidence indicates that the variant is pathogenic, but additional data are needed to prove that conclusively. Therefore, this variant has been classified as Likely Pathogenic. Algorithms developed to predict the effect of sequence changes on RNA splicing suggest that this variant may disrupt the consensus splice site. This variant has not been reported in the literature in individuals affected with GNAS-related conditions. This variant is not present in population databases (gnomAD no frequency). This sequence change affects an acceptor splice site in intron 4 of the GNAS gene. It is expected to disrupt RNA splicing. Variants that disrupt the donor or acceptor splice site typically lead to a loss of protein function (PMID: 16199547), and loss-of-function variants in GNAS are known to be pathogenic (PMID: 11784876, 23281139, 23796510, 25802881).

Literature cited by the submitters: PubMed 16199547; PubMed 11784876; PubMed 23281139; PubMed 23796510; PubMed 25802881.